The following is an entry in ClinVar:

ClinVar aggregate classification (germline): Pathogenic (1 of 4 stars; one submission).

Conditions:
Wilson disease (WND). Also called: Wilson's disease. Identifiers: Orphanet 905, MedGen C0019202, MONDO:0010200, OMIM 277900. Disease mechanism: loss of function.

Submission:

Labcorp Genetics (formerly Invitae), Labcorp
Classification: Pathogenic for Wilson disease. Last evaluated: 2019-12-30. Review status: criteria provided, single submitter. Criteria: Invitae Variant Classification Sherloc (09022015). Collection method: clinical testing. Allele origin: germline.
Comment: A gross deletion of the genomic region encompassing the full coding sequence of the ATP7B gene has been identified. The boundaries of this event are unknown as the deletion extends beyond the assayed region for this gene and therefore may encompass additional genes. This variant has been observed in individual(s) with Wilson disease (PMID: 30655162). In at least one individual the data is consistent with the variant being in trans (on the opposite chromosome) from a pathogenic variant. Loss-of-function variants in ATP7B are known to be pathogenic (PMID: 10441329, 16283883). For these reasons, this variant has been classified as Pathogenic.

Literature cited by the submitters: PubMed 30655162.

NC_000013.11:g.(?_51934736)_(52028610_?)del

Genes: ALG11 (ALG11 alpha-1,2-mannosyltransferase; plus strand), ATP7B (ATPase copper transporting beta; minus strand), UTP14C (UTP14C small subunit processome component; plus strand). Cytogenetic location: 13q14.3.
Variant type: Deletion.
Identifiers: ClinVar variation 831527 (VCV000831527.1).